The following is an entry in ClinVar:

ClinVar aggregate classification (germline): Uncertain significance (1 of 4 stars; one submission).

Allele frequency attached by ClinVar (database versions not stated): TOPMed below 0.00001; gnomAD 0.00001.
gnomAD v4.1: 11 of 1,613,984 alleles (0.00068%); highest among the groups gnomAD compares: Non-Finnish European, 0.00093%; no homozygotes.

Submission:

Labcorp Genetics (formerly Invitae), Labcorp
Classification: Uncertain significance. Last evaluated: 2025-05-03. Review status: criteria provided, single submitter. Criteria: Invitae Variant Classification Sherloc (09022015). Collection method: clinical testing. Allele origin: germline.
Comment: This sequence change replaces cysteine, which is neutral and slightly polar, with arginine, which is basic and polar, at codon 335 of the TRPM1 protein (p.Cys335Arg). This variant is not present in population databases (gnomAD no frequency). This variant has not been reported in the literature in individuals affected with TRPM1-related conditions. ClinVar contains an entry for this variant (Variation ID: 1485141). Invitae Evidence Modeling of protein sequence and biophysical properties (such as structural, functional, and spatial information, amino acid conservation, physicochemical variation, residue mobility, and thermodynamic stability) indicates that this missense variant is expected to disrupt TRPM1 protein function with a positive predictive value of 80%. In summary, the available evidence is currently insufficient to determine the role of this variant in disease. Therefore, it has been classified as a Variant of Uncertain Significance.

NM_001252024.2(TRPM1):c.1069T>C (p.Cys357Arg)

Gene: TRPM1 (transient receptor potential cation channel subfamily M member 1; minus strand). Cytogenetic location: 15q13.3.
Variant type: single nucleotide variant.
Coding change: c.1069T>C on transcript NM_001252024.2 (MANE Select); coding-DNA position 1069, T replaced by C.
Protein change: p.Cys357Arg; replaces cysteine 357 with arginine.
Molecular consequence: missense variant.
Genome position (GRCh38, 1-based): chr15:31,062,599, A>G on the plus strand (T>C on the coding strand, the complement: TRPM1 is on the minus strand). VCF-style: chr15-31062599-A-G. GRCh37 (hg19) VCF-style: chr15-31354802-A-G.
Other names: c.1120T>C, p.Cys374Arg (NM_001252020.2); c.1003T>C, p.Cys335Arg (NM_002420.6); short protein forms C374R, C335R, C357R.
Identifiers: ClinVar variation 1485141 (VCV001485141.8), dbSNP rs1426737705, ClinGen allele CA391524697.